The following is an entry in ClinVar:

NM_001903.5(CTNNA1):c.1143+4A>T

Gene: CTNNA1 (catenin alpha 1; plus strand). Cytogenetic location: 5q31.2.
Variant type: single nucleotide variant.
Coding change: c.1143+4A>T on transcript NM_001903.5 (MANE Select); 4 bases into the intron after coding-DNA position 1143, A replaced by T.
Molecular consequence: intron variant.
Genome position (GRCh38, 1-based): chr5:138,886,296, A>T. VCF-style: chr5-138886296-A-T. GRCh37 (hg19) VCF-style: chr5-138221985-A-T.
Other names: c.1143+4A>T (NM_001323982.2, NM_001323984.2, NM_001290307.3 and 3 more transcripts); c.774+4A>T (NM_001290310.3); c.834+4A>T (NM_001290309.3); c.33+4A>T (NM_001323996.1, NM_001323993.1, NM_001324005.1 and 18 more transcripts); c.-365+4A>T (NM_001324007.1, NM_001324009.1, NM_001324006.1 and 1 more transcripts); c.-240+4A>T (NM_001324013.1); c.-58+10699A>T (NM_001324012.1); c.-61+10699A>T (NM_001324010.1).
Identifiers: ClinVar variation 1402772 (VCV001402772.6), dbSNP rs1382437273, ClinGen allele CA2573139310.

ClinVar aggregate classification (germline): Uncertain significance (1 of 4 stars; one submission).

Submission:

Labcorp Genetics (formerly Invitae), Labcorp
Classification: Uncertain significance. Last evaluated: 2025-09-03. Review status: criteria provided, single submitter. Criteria: Invitae Variant Classification Sherloc (09022015). Collection method: clinical testing. Allele origin: germline.
Comment: This sequence change falls in intron 8 of the CTNNA1 gene. It does not directly change the encoded amino acid sequence of the CTNNA1 protein. It affects a nucleotide within the consensus splice site. This variant is not present in population databases (gnomAD no frequency). This variant has not been reported in the literature in individuals affected with CTNNA1-related conditions. ClinVar contains an entry for this variant (Variation ID: 1402772). Variants that disrupt the consensus splice site are a relatively common cause of aberrant splicing (PMID: 17576681, 9536098). Algorithms developed to predict the effect of sequence changes on RNA splicing suggest that this variant is not likely to affect RNA splicing. In summary, the available evidence is currently insufficient to determine the role of this variant in disease. Therefore, it has been classified as a Variant of Uncertain Significance.

Literature cited by the submitters: PubMed 17576681; PubMed 9536098.